The following is an entry in ClinVar:

NM_000426.4(LAMA2):c.1373G>A (p.Arg458Lys)

Gene: LAMA2 (laminin subunit alpha 2; plus strand). Cytogenetic location: 6q22.33.
Variant type: single nucleotide variant.
Coding change: c.1373G>A on transcript NM_000426.4 (MANE Select); coding-DNA position 1373, G replaced by A.
Protein change: p.Arg458Lys; replaces arginine 458 with lysine.
Molecular consequence: missense variant.
Genome position (GRCh38, 1-based): chr6:129,177,772, G>A. VCF-style: chr6-129177772-G-A. GRCh37 (hg19) VCF-style: chr6-129498917-G-A.
Other names: p.Arg458Lys; c.1373G>A, p.Arg458Lys (NM_001079823.2); short protein forms R458K.
Identifiers: ClinVar variation 355248 (VCV000355248.17), dbSNP rs140604077, ClinGen allele CA3992592.

ClinVar aggregate classification (germline): Conflicting classifications of pathogenicity. Review status: criteria provided, conflicting classifications (1 of 4 stars). 6 submissions from 6 submitters: Uncertain significance (5); Likely benign (1). Last evaluated 2026-02-02.

Conditions:
Congenital muscular dystrophy due to partial LAMA2 deficiency. Identifiers: MedGen C1842898.
Muscular dystrophy, limb-girdle, autosomal recessive 23. Identifiers: Orphanet 565837, MedGen C4748327, MONDO:0029136, OMIM 618138.
Merosin deficient congenital muscular dystrophy (MDC1A). Also called: Congenital merosin-deficient muscular dystrophy 1A; Congenital Muscular Dystrophy Type 1A (MDC1A). Identifiers: Orphanet 258, MedGen C1263858, MONDO:0011925, OMIM 607855.
LAMA2-related muscular dystrophy (LAMA2-RD). Also called: Laminin alpha 2-related dystrophy. Identifiers: MedGen C5679788, MONDO:0100228.

Allele frequency attached by ClinVar (database versions not stated): ESP Exome Variant Server 0.00008; gnomAD exomes 0.00010 and 0.00011; TOPMed 0.00010; gnomAD 0.00011; ExAC 0.00012.
gnomAD v4.1: 165 of 1,613,864 alleles (0.01%); highest among the groups gnomAD compares: Middle Eastern, 0.049%; 1 homozygote.

Submissions (6):

GeneDx
Classification: Uncertain significance. Last evaluated: 2026-02-02. Review status: criteria provided, single submitter. Criteria: GeneDx Variant Classification Process June 2021. Collection method: clinical testing. Allele origin: germline. Affected: yes.
Comment: In silico analysis suggests that this missense variant does not alter protein structure/function; Has not been previously published as pathogenic or benign to our knowledge

Labcorp Genetics (formerly Invitae), Labcorp
Classification: Likely benign for LAMA2-related muscular dystrophy. Last evaluated: 2026-01-24. Review status: criteria provided, single submitter. Criteria: Invitae Variant Classification Sherloc (09022015). Collection method: clinical testing. Allele origin: germline.

Revvity Omics, Revvity
Classification: Uncertain significance. Last evaluated: 2025-06-16. Review status: criteria provided, single submitter. Criteria: ACMG Guidelines, 2015. Collection method: clinical testing. Allele origin: germline.

Mayo Clinic Laboratories, Mayo Clinic
Classification: Uncertain significance. Last evaluated: 2022-03-17. Review status: criteria provided, single submitter. Criteria: ACMG Guidelines, 2015. Collection method: clinical testing. Allele origin: germline. Observed: 1 variant allele.
Comment: BP4

Fulgent Genetics
Classification: Uncertain significance for Merosin deficient congenital muscular dystrophy; Muscular dystrophy, limb-girdle, autosomal recessive 23. Last evaluated: 2021-10-12. Review status: criteria provided, single submitter. Criteria: ACMG Guidelines, 2015. Collection method: clinical testing. Allele origin: unknown.

Illumina Laboratory Services, Illumina
Classification: Uncertain significance for Congenital muscular dystrophy due to partial LAMA2 deficiency. Last evaluated: 2018-01-12. Review status: criteria provided, single submitter. Criteria: ICSL Variant Classification Criteria 13 December 2019. Collection method: clinical testing. Allele origin: germline.